The following is an entry in ClinVar:

NM_000222.3(KIT):c.604C>T (p.Leu202=)

Gene: KIT (KIT proto-oncogene, receptor tyrosine kinase; plus strand). Cytogenetic location: 4q12.
Variant type: single nucleotide variant.
Coding change: c.604C>T on transcript NM_000222.3 (MANE Select); coding-DNA position 604, C replaced by T.
Protein change: p.Leu202=; no amino-acid change (leucine 202 retained).
Molecular consequence: synonymous variant.
Genome position (GRCh38, 1-based): chr4:54,698,550, C>T. VCF-style: chr4-54698550-C-T. GRCh37 (hg19) VCF-style: chr4-55564716-C-T.
Other names: c.604C>T, p.Leu202= (NM_001093772.2, NM_001385284.1, NM_001385285.1 and 4 more transcripts).
Identifiers: ClinVar variation 528669 (VCV000528669.14), dbSNP rs759589436, ClinGen allele CA2923270.

ClinVar aggregate classification (germline): Benign/Likely benign. Review status: criteria provided, multiple submitters, no conflicts (2 of 4 stars). 3 submissions from 3 submitters: Benign (1); Likely benign (2). Last evaluated 2026-06-02.

Conditions:
Gastrointestinal stromal tumor. Also called: Gastrointestinal stromal tumor, somatic; Gastrointestinal stroma tumor. Identifiers: Orphanet 44890, MedGen C0238198, MeSH D046152, MONDO:0011719, OMIM 606764, HP:0100723.
Hereditary cancer-predisposing syndrome. Also called: Hereditary neoplastic syndrome; Neoplastic Syndromes, Hereditary; Hereditary Cancer Syndrome; Tumor predisposition. Identifiers: Orphanet 140162, MedGen C0027672, MeSH D009386, MONDO:0015356.

Allele frequency attached by ClinVar (database versions not stated): gnomAD exomes below 0.00001 and 0.00001; ExAC 0.00002.

Submissions (3):

Myriad Genetics, Inc.
Classification: Benign for Gastrointestinal stromal tumor. Last evaluated: 2026-06-02. Review status: criteria provided, single submitter. Criteria: Myriad Autosomal Dominant, Autosomal Recessive and X-Linked Classification Criteria (2023). Collection method: clinical testing. Allele origin: unknown.
Comment: This variant is considered benign. This variant is a silent/synonymous amino acid change and it is not expected to impact splicing.

Labcorp Genetics (formerly Invitae), Labcorp
Classification: Likely benign for Gastrointestinal stromal tumor. Last evaluated: 2024-08-07. Review status: criteria provided, single submitter. Criteria: Invitae Variant Classification Sherloc (09022015). Collection method: clinical testing. Allele origin: germline.

Ambry Genetics
Classification: Likely benign for Hereditary cancer-predisposing syndrome. Last evaluated: 2021-05-05. Review status: criteria provided, single submitter. Criteria: Ambry Variant Classification Scheme 2023. Collection method: clinical testing. Allele origin: germline.